The following is an entry in ClinVar:

NM_003906.5(MCM3AP):c.748dup (p.Ser250fs)

Gene: MCM3AP (minichromosome maintenance complex component 3 associated protein; minus strand). Cytogenetic location: 21q22.3.
Variant type: Duplication.
Coding change: c.748dup on transcript NM_003906.5 (MANE Select); coding-DNA position 748, one base duplicated (A; older notation c.748dupA).
Protein change: p.Ser250fs; shifts the reading frame from serine 250.
Molecular consequence: frameshift variant.
Genome position (GRCh38, 1-based): chr21:46,284,539, T duplicated on the plus strand (A on the coding strand, the reverse complement: MCM3AP is on the minus strand). VCF-style (leftmost placement, unchanged base first): chr21-46284538-C-CT. GRCh37 (hg19) VCF-style: chr21-47704452-C-CT.
Other names: short protein forms S250fs.
Identifiers: ClinVar variation 2714092 (VCV002714092.3), dbSNP rs2517438116, ClinGen allele CA2655006365.

ClinVar aggregate classification (germline): Pathogenic (1 of 4 stars; one submission).

Allele frequency attached by ClinVar (database versions not stated): gnomAD exomes below 0.00001.

Submission:

Labcorp Genetics (formerly Invitae), Labcorp
Classification: Pathogenic. Last evaluated: 2024-01-29. Review status: criteria provided, single submitter. Criteria: Invitae Variant Classification Sherloc (09022015). Collection method: clinical testing. Allele origin: germline.
Comment: This sequence change creates a premature translational stop signal (p.Ser250Lysfs*2) in the MCM3AP gene. It is expected to result in an absent or disrupted protein product. Loss-of-function variants in MCM3AP are known to be pathogenic (PMID: 28633435). This variant is not present in population databases (gnomAD no frequency). This variant has not been reported in the literature in individuals affected with MCM3AP-related conditions. For these reasons, this variant has been classified as Pathogenic.

Literature cited by the submitters: PubMed 28633435.